The following is an entry in ClinVar:

NM_016507.4(CDK12):c.1551G>C (p.Glu517Asp)

Gene: CDK12 (cyclin dependent kinase 12; plus strand). Cytogenetic location: 17q12.
Variant type: single nucleotide variant.
Coding change: c.1551G>C on transcript NM_016507.4 (MANE Select); coding-DNA position 1551, G replaced by C.
Protein change: p.Glu517Asp; replaces glutamic acid 517 with aspartic acid.
Molecular consequence: missense variant.
Genome position (GRCh38, 1-based): chr17:39,471,383, G>C. VCF-style: chr17-39471383-G-C. GRCh37 (hg19) VCF-style: chr17-37627636-G-C.
Other names: c.1551G>C, p.Glu517Asp (NM_015083.4); short protein forms E517D.
Identifiers: ClinVar variation 3830324 (VCV003830324.1).
Genomic context (GRCh38, chr17:39,471,383, plus strand): 5'-ACAGGGAACAAGAGACTCTAAACCCATAGCACTGAAAGAGGAGATTGTTACTCCAAAGGA[G>C]ACAGAAACATCAGAAAAGGAGACCCCTCCACCTCTTCCCACAATTGCTTCTCCCCCACCC-3'
Protein context (NP_057591.2, residues 507-527): ALKEEIVTPK[Glu517Asp]TETSEKETPP

ClinVar aggregate classification (germline): Uncertain significance (1 of 4 stars; one submission).

gnomAD v4.1: 2 of 1,614,018 alleles (0.00012%); highest among the groups gnomAD compares: Admixed American, 0.0033%; no homozygotes.

Submission:

Ambry Genetics
Classification: Uncertain significance. Last evaluated: 2024-12-12. Review status: criteria provided, single submitter. Criteria: Ambry Variant Classification Scheme 2023. Collection method: clinical testing. Allele origin: germline.
Comment: The p.E517D variant (also known as c.1551G>C), located in coding exon 2 of the CDK12 gene, results from a G to C substitution at nucleotide position 1551. The glutamic acid at codon 517 is replaced by aspartic acid, an amino acid with highly similar properties. This amino acid position is conserved. In addition, this alteration is predicted to be tolerated by in silico analysis. Based on the available evidence, the clinical significance of this variant remains unclear.